The following is an entry in ClinVar:

NM_004462.5(FDFT1):c.100-101G>A

Genes: FDFT1 (farnesyl-diphosphate farnesyltransferase 1), LOC129999907 (ATAC-STARR-seq lymphoblastoid silent region 18943; plus strand). Cytogenetic location: 8p23.1.
Variant type: single nucleotide variant.
Coding change: c.100-101G>A on transcript NM_004462.5 (MANE Select); 101 bases into the intron before coding-DNA position 100, G replaced by A.
Molecular consequence: intron variant. On other transcripts: nonsense (1).
Genome position (GRCh38, 1-based): chr8:11,808,693, G>A. VCF-style: chr8-11808693-G-A. GRCh37 (hg19) VCF-style: chr8-11666202-G-A.
Other names: c.-93-101G>A (NM_001287747.2, NM_001287748.2, NM_001287749.2 and 2 more transcripts); c.176G>A, p.Trp59Ter (NM_001287750.2); c.100-101G>A (NM_001287742.2, NM_001287743.2); c.64+5783G>A (NM_001287756.2); short protein forms W59*.
Identifiers: ClinVar variation 1805053 (VCV001805053.1), dbSNP rs1807243155, ClinGen allele CA1110743665.

ClinVar aggregate classification (germline): Uncertain significance (1 of 4 stars; one submission).

Conditions:
Squalene synthase deficiency. Also called: NEURODEVELOPMENTAL DISORDER WITH LOW CHOLESTEROL AND ABNORMAL URINE ORGANIC ACIDS. Identifiers: MedGen C4748427, MONDO:0032566, OMIM 618156.

Allele frequency attached by ClinVar (database versions not stated): gnomAD exomes below 0.00001; gnomAD 0.00001.
gnomAD v4.1: 6 of 1,471,840 alleles (0.00041%); highest among the groups gnomAD compares: East Asian, 0.0025%; no homozygotes.

Submission:

Victorian Clinical Genetics Services, Murdoch Childrens Research Institute
Classification: Uncertain significance for Squalene synthase deficiency. Last evaluated: 2022-02-02. Review status: criteria provided, single submitter. Criteria: ACMG Guidelines, 2015. Collection method: clinical testing. Allele origin: germline. Inheritance: Autosomal recessive inheritance.
Comment: Based on the classification scheme VCGS_Germline_v1.3.4, this variant is classified as VUS-3C. Following criteria are met: 0102 - Loss of function is a known mechanism of disease in this gene and is associated with squalene synthase deficiency (MIM#618156). (I) 0106 - This gene is associated with autosomal recessive disease. (I) 0202 - Variant is predicted to cause nonsense-mediated decay (NMD) and loss of protein (premature termination codon is located at least 54 nucleotides upstream of the final exon-exon junction), but is located in an exon that may undergo alternative splicing. (I) 0219 - This variant is non-coding in an alternative transcript. This variant is either intronic or in the 5' UTR of all other isoforms of this gene, including the predominant transcript used in ClinVar (UCSC). (I) 0251 - This variant is heterozygous. (I) 0304 - Variant is present in gnomAD (v3) <0.01 for a recessive condition (2 heterozygotes, 0 homozygotes). (SP) 0705 - No comparable NMD-predicted variants in this transcript have previous evidence for pathogenicity. (I) 0807 - This variant has no previous evidence of pathogenicity. (I) 0905 - No published segregation evidence has been identified for this variant. (I) 1007 - No published functional evidence has been identified for this variant. (I) Legend: (SP) - Supporting pathogenic, (I) - Information, (SB) - Supporting benign